The following is an entry in ClinVar:

NM_001244710.2(GFPT1):c.543+285T>C

Gene: GFPT1 (glutamine--fructose-6-phosphate transaminase 1; minus strand). Cytogenetic location: 2p13.3.
Variant type: single nucleotide variant.
Coding change: c.543+285T>C on transcript NM_001244710.2 (MANE Select); 285 bases into the intron after coding-DNA position 543, T replaced by C.
Molecular consequence: intron variant.
Genome position (GRCh38, 1-based): chr2:69,358,044, A>G on the plus strand (T>C on the coding strand, the complement: GFPT1 is on the minus strand). VCF-style: chr2-69358044-A-G. GRCh37 (hg19) VCF-style: chr2-69585176-A-G.
Other names: c.543+285T>C (NM_002056.4).
Identifiers: ClinVar variation 682687 (VCV000682687.1), dbSNP rs6724567, ClinGen allele CA11117554.

ClinVar aggregate classification (germline): Benign (1 of 4 stars; one submission).

Allele frequency attached by ClinVar (database versions not stated): 1000 Genomes Project 0.66474; gnomAD 0.66853 and 0.67625; 1000 Genomes Project 30x 0.67177; TOPMed 0.67721.
gnomAD v4.1: 101,619 of 152,084 alleles (67%); highest among the groups gnomAD compares: African/African-American, 90%; 35,616 homozygotes.

Submission:

GeneDx
Classification: Benign. Last evaluated: 2018-06-16. Review status: criteria provided, single submitter. Criteria: GeneDx Variant Classification (06012015). Collection method: clinical testing. Allele origin: germline. Affected: yes.
Comment: This variant is considered likely benign or benign based on one or more of the following criteria: it is a conservative change, it occurs at a poorly conserved position in the protein, it is predicted to be benign by multiple in silico algorithms, and/or has population frequency not consistent with disease.